The following is an entry in ClinVar:

ClinVar aggregate classification (germline): Uncertain significance (1 of 4 stars; one submission).

Conditions:
Familial hemiplegic migraine. Identifiers: MedGen C0338484, MONDO:0000700.

Submission:

Labcorp Genetics (formerly Invitae), Labcorp
Classification: Uncertain significance for Familial hemiplegic migraine. Last evaluated: 2022-08-16. Review status: criteria provided, single submitter. Criteria: Invitae Variant Classification Sherloc (09022015). Collection method: clinical testing. Allele origin: germline.
Comment: In summary, the available evidence is currently insufficient to determine the role of this variant in disease. Therefore, it has been classified as a Variant of Uncertain Significance. Algorithms developed to predict the effect of missense changes on protein structure and function are either unavailable or do not agree on the potential impact of this missense change (SIFT: "Deleterious"; PolyPhen-2: "Benign"; Align-GVGD: "Class C65"). ClinVar contains an entry for this variant (Variation ID: 1484261). This variant has not been reported in the literature in individuals affected with ATP1A2-related conditions. This variant is not present in population databases (gnomAD no frequency). This sequence change replaces lysine, which is basic and polar, with asparagine, which is neutral and polar, at codon 43 of the ATP1A2 protein (p.Lys43Asn).

NM_000702.4(ATP1A2):c.129G>C (p.Lys43Asn)

Gene: ATP1A2 (ATPase Na+/K+ transporting subunit alpha 2; plus strand). Cytogenetic location: 1q23.2.
Variant type: single nucleotide variant.
Coding change: c.129G>C on transcript NM_000702.4 (MANE Select); coding-DNA position 129, G replaced by C.
Protein change: p.Lys43Asn; replaces lysine 43 with asparagine.
Molecular consequence: missense variant.
Genome position (GRCh38, 1-based): chr1:160,121,203, G>C. VCF-style: chr1-160121203-G-C. GRCh37 (hg19) VCF-style: chr1-160090993-G-C.
Other names: short protein forms K43N.
Identifiers: ClinVar variation 1484261 (VCV001484261.6), dbSNP rs61734527, ClinGen allele CA343228460.
Genomic context (GRCh38, chr1:160,121,203, plus strand): 5'-TGCATCTTAGATACCTCCTCCCCAAAGTAACTCACCCTCCCTTCCCCAGGATGACCACAA[G>C]CTGTCCTTGGATGAGCTGGGCCGCAAATACCAAGTGGACCTGTCCAAGGTGAGTGGAGGG-3'
Protein context (NP_000693.1, residues 33-53): LKKEVAMDDH[Lys43Asn]LSLDELGRKY